The following is an entry in ClinVar:

NM_152490.5(B3GALNT2):c.479T>C (p.Leu160Pro)

Gene: B3GALNT2 (beta-1,3-N-acetylgalactosaminyltransferase 2; minus strand). Cytogenetic location: 1q42.3.
Variant type: single nucleotide variant.
Coding change: c.479T>C on transcript NM_152490.5 (MANE Select); coding-DNA position 479, T replaced by C.
Protein change: p.Leu160Pro; replaces leucine 160 with proline.
Molecular consequence: missense variant.
Genome position (GRCh38, 1-based): chr1:235,484,398, A>G on the plus strand (T>C on the coding strand, the complement: B3GALNT2 is on the minus strand). VCF-style: chr1-235484398-A-G. GRCh37 (hg19) VCF-style: chr1-235647714-A-G.
Other names: c.602T>C, p.Leu201Pro (NM_001277155.3); short protein forms L201P, L160P.
Identifiers: ClinVar variation 1495118 (VCV001495118.6), dbSNP rs2102843967, ClinGen allele CA344925138.

ClinVar aggregate classification (germline): Uncertain significance (1 of 4 stars; one submission).

Conditions:
Muscular dystrophy-dystroglycanopathy (congenital with brain and eye anomalies), type a, 11 (MDDGA11). Also called: Muscular dystrophy-dystroglycanopathy (congenital with brain and eye anomalies, type A, 11; Congenital muscular dystrophy-dystroglycanopathy with brain and eye anomalies, type A11; WALKER-WARBURG SYNDROME OR MUSCLE-EYE-BRAIN DISEASE, B3GALNT2-RELATED. Identifiers: Orphanet 588, Orphanet 899, MedGen C3554638, MONDO:0014071, OMIM 615181.

Submission:

Labcorp Genetics (formerly Invitae), Labcorp
Classification: Uncertain significance for Muscular dystrophy-dystroglycanopathy (congenital with brain and eye anomalies), type a, 11. Last evaluated: 2021-08-02. Review status: criteria provided, single submitter. Criteria: Invitae Variant Classification Sherloc (09022015). Collection method: clinical testing. Allele origin: germline.
Comment: In summary, the available evidence is currently insufficient to determine the role of this variant in disease. Therefore, it has been classified as a Variant of Uncertain Significance. Algorithms developed to predict the effect of missense changes on protein structure and function are either unavailable or do not agree on the potential impact of this missense change (SIFT: "Deleterious"; PolyPhen-2: "Probably Damaging"; Align-GVGD: "Class C0"). This sequence change replaces leucine with proline at codon 160 of the B3GALNT2 protein (p.Leu160Pro). The leucine residue is moderately conserved and there is a moderate physicochemical difference between leucine and proline. This variant is not present in population databases (ExAC no frequency). This variant has not been reported in the literature in individuals affected with B3GALNT2-related conditions.